The following is an entry in ClinVar:

ClinVar aggregate classification (germline): Uncertain significance (1 of 4 stars; one submission).

Conditions:
Charcot-Marie-Tooth disease type 4. Also called: Charcot-Marie-Tooth, Type 4; Charcot-Marie-Tooth disease, type IV. Identifiers: Orphanet 64749, MedGen C4082197, MONDO:0018995.

Allele frequency attached by ClinVar (database versions not stated): TOPMed below 0.00001.

Submission:

Labcorp Genetics (formerly Invitae), Labcorp
Classification: Uncertain significance for Charcot-Marie-Tooth disease type 4. Last evaluated: 2022-05-12. Review status: criteria provided, single submitter. Criteria: Invitae Variant Classification Sherloc (09022015). Collection method: clinical testing. Allele origin: germline.
Comment: In summary, the available evidence is currently insufficient to determine the role of this variant in disease. Therefore, it has been classified as a Variant of Uncertain Significance. Algorithms developed to predict the effect of missense changes on protein structure and function are either unavailable or do not agree on the potential impact of this missense change (SIFT: "Tolerated"; PolyPhen-2: "Possibly Damaging"; Align-GVGD: "Class C0"). This variant has not been reported in the literature in individuals affected with NDRG1-related conditions. This variant is not present in population databases (gnomAD no frequency). This sequence change replaces serine, which is neutral and polar, with proline, which is neutral and non-polar, at codon 378 of the NDRG1 protein (p.Ser378Pro).

NM_006096.4(NDRG1):c.1132T>C (p.Ser378Pro)

Gene: NDRG1 (N-myc downstream regulated 1; minus strand). Cytogenetic location: 8q24.22.
Variant type: single nucleotide variant.
Coding change: c.1132T>C on transcript NM_006096.4 (MANE Select); coding-DNA position 1132, T replaced by C.
Protein change: p.Ser378Pro; replaces serine 378 with proline.
Molecular consequence: missense variant.
Genome position (GRCh38, 1-based): chr8:133,238,931, A>G on the plus strand (T>C on the coding strand, the complement: NDRG1 is on the minus strand). VCF-style: chr8-133238931-A-G. GRCh37 (hg19) VCF-style: chr8-134251174-A-G.
Other names: c.1132T>C, p.Ser378Pro (NM_001135242.2, NM_001374845.1, NM_001374846.1); c.934T>C, p.Ser312Pro (NM_001258432.2, NM_001374847.1); c.889T>C, p.Ser297Pro (NM_001258433.2); c.1183T>C, p.Ser395Pro (NM_001374844.1); short protein forms S297P, S395P, S312P, S378P.
Identifiers: ClinVar variation 1985743 (VCV001985743.4), dbSNP rs1263777415, ClinGen allele CA372254282.
Genomic context (GRCh38, chr8:133,238,931, plus strand): 5'-AGGCCGCCTAGCAGGAGACCTCCATGGACTTGGGCCCGGCGCTGTTCCCAGCAGCACCCG[A>G]GTTGGGGGTGATGTCCAGGTGGGCCCCCTCGCTGGTGTGCGAGCGGCTGCGGGTGCCCTC-3'
Protein context (NP_006087.2, residues 368-388): EGAHLDITPN[Ser378Pro]GAAGNSAGPK